The following is an entry in ClinVar:

ClinVar aggregate classification (germline): Uncertain significance (1 of 4 stars; one submission).

Conditions:
Pulmonary hypertension, primary, 4. Identifiers: Orphanet 422, MedGen C3809198, MONDO:0014136, OMIM 615344.

gnomAD v4.1: 1 of 1,573,198 alleles (0.000064%); highest among the groups gnomAD compares: Non-Finnish European, 0.000086%; no homozygotes.

Submission:

Labcorp Genetics (formerly Invitae), Labcorp
Classification: Uncertain significance for Pulmonary hypertension, primary, 4. Last evaluated: 2025-12-29. Review status: criteria provided, single submitter. Criteria: Invitae Variant Classification Sherloc (09022015). Collection method: clinical testing. Allele origin: germline.
Comment: This sequence change replaces alanine, which is neutral and non-polar, with proline, which is neutral and non-polar, at codon 285 of the KCNK3 protein (p.Ala285Pro). This variant is present in population databases (no rsID available, gnomAD 0.001%). This variant has not been reported in the literature in individuals affected with KCNK3-related conditions. Invitae Evidence Modeling of protein sequence and biophysical properties (such as structural, functional, and spatial information, amino acid conservation, physicochemical variation, residue mobility, and thermodynamic stability) indicates that this missense variant is not expected to disrupt KCNK3 protein function with a negative predictive value of 80%. In summary, the available evidence is currently insufficient to determine the role of this variant in disease. Therefore, it has been classified as a Variant of Uncertain Significance.

NM_002246.3(KCNK3):c.853G>C (p.Ala285Pro)

Gene: KCNK3 (potassium two pore domain channel subfamily K member 3; plus strand). Cytogenetic location: 2p23.3.
Variant type: single nucleotide variant.
Coding change: c.853G>C on transcript NM_002246.3 (MANE Select); coding-DNA position 853, G replaced by C.
Protein change: p.Ala285Pro; replaces alanine 285 with proline.
Molecular consequence: missense variant.
Genome position (GRCh38, 1-based): chr2:26,728,236, G>C. VCF-style: chr2-26728236-G-C. GRCh37 (hg19) VCF-style: chr2-26951104-G-C.
Other names: short protein forms A285P.
Identifiers: ClinVar variation 4770411 (VCV004770411.1).